The following is an entry in ClinVar:

ClinVar aggregate classification (germline): Uncertain significance (1 of 4 stars; one submission).

gnomAD v4.1: 1 of 1,410,498 alleles (0.000071%); highest among the groups gnomAD compares: Admixed American, 0.003%; no homozygotes.

Submission:

Labcorp Genetics (formerly Invitae), Labcorp
Classification: Uncertain significance. Last evaluated: 2024-06-28. Review status: criteria provided, single submitter. Criteria: Invitae Variant Classification Sherloc (09022015). Collection method: clinical testing. Allele origin: germline.
Comment: This sequence change replaces glutamine, which is neutral and polar, with proline, which is neutral and non-polar, at codon 171 of the DMRT2 protein (p.Gln171Pro). This variant is not present in population databases (gnomAD no frequency). This variant has not been reported in the literature in individuals affected with DMRT2-related conditions. An algorithm developed to predict the effect of missense changes on protein structure and function (PolyPhen-2) suggests that this variant is likely to be disruptive. In summary, the available evidence is currently insufficient to determine the role of this variant in disease. Therefore, it has been classified as a Variant of Uncertain Significance.

NM_181872.6(DMRT2):c.512A>C (p.Gln171Pro)

Gene: DMRT2 (doublesex and mab-3 related transcription factor 2; plus strand). Cytogenetic location: 9p24.3.
Variant type: single nucleotide variant.
Coding change: c.512A>C on transcript NM_181872.6 (MANE Select); coding-DNA position 512, A replaced by C.
Protein change: p.Gln171Pro; replaces glutamine 171 with proline.
Molecular consequence: missense variant. On other transcripts: 5 prime UTR variant (1), non-coding transcript variant (1).
Genome position (GRCh38, 1-based): chr9:1,052,125, A>C. VCF-style: chr9-1052125-A-C. GRCh37 (hg19) VCF-style: chr9-1052125-A-C.
Other names: c.512A>C, p.Gln171Pro (NM_001130865.3, NM_001370531.1, NM_001370533.1 and 4 more transcripts); c.-139A>C (NM_001370532.1); short protein forms Q171P.
Identifiers: ClinVar variation 3620490 (VCV003620490.2).